The following continues an entry in ClinVar:

NM_000492.4(CFTR):c.2491G>T (p.Glu831Ter)

Gene: CFTR. ClinVar aggregate classification (germline): Pathogenic. Pathogenic (1).

Submissions 9 to 14 of 14:

Fulgent Genetics
Classification: Pathogenic for Hereditary pancreatitis; Bronchiectasis with or without elevated sweat chloride 1; Cystic fibrosis; Congenital bilateral aplasia of vas deferens from CFTR mutation. Last evaluated: 2024-04-25. Review status: criteria provided, single submitter. Criteria: ACMG Guidelines, 2015. Collection method: clinical testing. Allele origin: germline. Not counted in ClinVar's aggregate classification.

Baylor Genetics
Classification: Pathogenic for Bronchiectasis with or without elevated sweat chloride 1. Last evaluated: 2023-10-25. Review status: criteria provided, single submitter. Criteria: ACMG Guidelines, 2015. Collection method: clinical testing. Allele origin: unknown. Not counted in ClinVar's aggregate classification.

Centre for Mendelian Genomics, University Medical Centre Ljubljana
Classification: Pathogenic for Hereditary pancreatitis. Last evaluated: 2019-10-22. Review status: criteria provided, single submitter. Criteria: ACMG Guidelines, 2015. Collection method: clinical testing. Allele origin: unknown. Affected: yes. Not counted in ClinVar's aggregate classification.
Comment: This variant was classified as: Pathogenic. The following ACMG criteria were applied in classifying this variant: PVS1,PS1,PM2.

Mendelics
Classification: Pathogenic for Cystic fibrosis. Last evaluated: 2018-11-05. Review status: criteria provided, single submitter. Criteria: Mendelics Assertion Criteria 2017. Collection method: clinical testing. Allele origin: unknown. Affected: yes. Not counted in ClinVar's aggregate classification.

CFTR-France
Classification: Pathogenic for cystic fibrosis. Last evaluated: 2018-01-29. Review status: criteria provided, single submitter. Criteria: Claustres M et al. (Hum Mutat 2017). Collection method: curation. Allele origin: germline. Affected: yes. Not counted in ClinVar's aggregate classification.

Counsyl
Classification: Pathogenic for Cystic fibrosis. Last evaluated: 2015-10-09. Review status: no assertion criteria provided. Collection method: clinical testing. Allele origin: unknown. Not counted in ClinVar's aggregate classification.

Literature cited by the submitters: PubMed 1695717 (cited by Labcorp Genetics (formerly Invitae), Labcorp); PubMed 7691345 (cited by Labcorp Genetics (formerly Invitae), Labcorp); PubMed 9725922 (cited by Labcorp Genetics (formerly Invitae), Labcorp); PubMed 20949073 (cited by 4 submitters); PubMed 23974870 (cited by 3 submitters); PubMed 25910067 (cited by Labcorp Genetics (formerly Invitae), Labcorp and Quest Diagnostics Nichols Institute San Juan Capistrano); PubMed 26258862 (cited by Natera, Inc.); PubMed 36437230 (cited by Natera, Inc.); PubMed 28356823 (cited by Natera, Inc.); PubMed 30444886 (cited by Ambry Genetics and Quest Diagnostics Nichols Institute San Juan Capistrano); PubMed 7513292 (cited by Quest Diagnostics Nichols Institute San Juan Capistrano); PubMed 7581390 (cited by Quest Diagnostics Nichols Institute San Juan Capistrano); PubMed 8956039 (cited by Quest Diagnostics Nichols Institute San Juan Capistrano); PubMed 15070876 (cited by Quest Diagnostics Nichols Institute San Juan Capistrano); PubMed 17413420 (cited by Quest Diagnostics Nichols Institute San Juan Capistrano); PubMed 21296036 (cited by Quest Diagnostics Nichols Institute San Juan Capistrano); PubMed 39345797 (cited by Quest Diagnostics Nichols Institute San Juan Capistrano); PubMed 31245908 (cited by Quest Diagnostics Nichols Institute San Juan Capistrano); PubMed 37448650 (cited by Quest Diagnostics Nichols Institute San Juan Capistrano); PubMed 39074961 (cited by Quest Diagnostics Nichols Institute San Juan Capistrano); PubMed 37422433 (cited by Quest Diagnostics Nichols Institute San Juan Capistrano); PubMed 37725210 (cited by Quest Diagnostics Nichols Institute San Juan Capistrano); PubMed 34860163 (cited by Quest Diagnostics Nichols Institute San Juan Capistrano); PubMed 34782259 (cited by Quest Diagnostics Nichols Institute San Juan Capistrano).